The following is an entry in ClinVar:

ClinVar aggregate classification (germline): Uncertain significance (0 of 4 stars; one submission).

Conditions:
Prostate cancer. Also called: Malignant tumor of prostate. Identifiers: Orphanet 1331, MedGen C0376358, MONDO:0008315, HP:0012125.

gnomAD v4.1: 4 of 1,614,024 alleles (0.00025%); highest among the groups gnomAD compares: South Asian, 0.0011%; no homozygotes.

Submission:

Science for Life laboratory,  Karolinska Institutet
Classification: Uncertain significance for Malignant tumor of prostate. Review status: no assertion criteria provided. Collection method: not provided. Allele origin: somatic.
Comment: TumorID:SWE-12A
ClinVar note: Converted during submission from Unknown to Uncertain significance.

NM_014991.6(WDFY3):c.2630C>A (p.Ala877Asp)

Genes: WDFY3 (WD repeat and FYVE domain containing 3; minus strand), WDFY3-AS1 (WDFY3 antisense RNA 1; plus strand). Cytogenetic location: 4q21.23.
Variant type: single nucleotide variant.
Coding change: c.2630C>A on transcript NM_014991.6 (MANE Select); coding-DNA position 2630, C replaced by A.
Protein change: p.Ala877Asp; replaces alanine 877 with aspartic acid.
Molecular consequence: missense variant.
Genome position (GRCh38, 1-based): chr4:84,801,842, G>T on the plus strand (C>A on the coding strand, the complement: WDFY3 is on the minus strand). VCF-style: chr4-84801842-G-T. GRCh37 (hg19) VCF-style: chr4-85722995-G-T.
Other names: short protein forms A877D.
Identifiers: ClinVar variation 161688 (VCV000161688.2), dbSNP rs193920805, ClinGen allele CA174599.